The following is an entry in ClinVar:

NM_000257.4(MYH7):c.5222T>C (p.Val1741Ala)

Genes: MYH7 (myosin heavy chain 7; minus strand), LOC126861897 (BRD4-independent group 4 enhancer GRCh37_chr14:23884455-23885654; plus strand). Cytogenetic location: 14q11.2.
Variant type: single nucleotide variant.
Coding change: c.5222T>C on transcript NM_000257.4 (MANE Select); coding-DNA position 5222, T replaced by C.
Protein change: p.Val1741Ala; replaces valine 1741 with alanine.
Molecular consequence: missense variant.
Genome position (GRCh38, 1-based): chr14:23,415,442, A>G on the plus strand (T>C on the coding strand, the complement: MYH7 is on the minus strand). VCF-style: chr14-23415442-A-G. GRCh37 (hg19) VCF-style: chr14-23884651-A-G.
Other names: short protein forms V1741A.
Identifiers: ClinVar variation 640111 (VCV000640111.9), dbSNP rs531250955, ClinGen allele CA045725.

ClinVar aggregate classification (germline): Uncertain significance (1 of 4 stars; one submission).

Conditions:
Hypertrophic cardiomyopathy. Also called: HYPERTROPHIC MYOCARDIOPATHY. Identifiers: Orphanet 217569, MedGen C0007194, MeSH D002312, MONDO:0005045, HP:0001639.

Allele frequency attached by ClinVar (database versions not stated): gnomAD 0.00001; 1000 Genomes Project 30x 0.00016; 1000 Genomes Project 0.00020; gnomAD exomes below 0.00001; ExAC 0.00001.
gnomAD v4.1: 1 of 1,613,846 alleles (0.000062%); highest among the groups gnomAD compares: African/African-American, 0.0013%; no homozygotes.

Submission:

Labcorp Genetics (formerly Invitae), Labcorp
Classification: Uncertain significance for Hypertrophic cardiomyopathy. Last evaluated: 2023-09-22. Review status: criteria provided, single submitter. Criteria: Invitae Variant Classification Sherloc (09022015). Collection method: clinical testing. Allele origin: germline.
Comment: This sequence change replaces valine, which is neutral and non-polar, with alanine, which is neutral and non-polar, at codon 1741 of the MYH7 protein (p.Val1741Ala). This variant is present in population databases (rs531250955, gnomAD 0.007%). This variant has not been reported in the literature in individuals affected with MYH7-related conditions. ClinVar contains an entry for this variant (Variation ID: 640111). Advanced modeling of protein sequence and biophysical properties (such as structural, functional, and spatial information, amino acid conservation, physicochemical variation, residue mobility, and thermodynamic stability) performed at Invitae indicates that this missense variant is not expected to disrupt MYH7 protein function. In summary, the available evidence is currently insufficient to determine the role of this variant in disease. Therefore, it has been classified as a Variant of Uncertain Significance.